The following is an entry in ClinVar:

ClinVar aggregate classification (germline): Likely pathogenic (1 of 4 stars; one submission).

Submission:

GeneDx
Classification: Likely pathogenic. Last evaluated: 2023-09-30. Review status: criteria provided, single submitter. Criteria: GeneDx Variant Classification Process June 2021. Collection method: clinical testing. Allele origin: germline. Affected: yes.
Comment: Frameshift variant predicted to result in protein truncation or nonsense-mediated decay in a gene for which loss-of-function is a known mechanism of disease; Not observed at significant frequency in large population cohorts (gnomAD); Has not been previously published as pathogenic or benign to our knowledge; Located in the A-band region of TTN in which the majority of loss of function variants have been associated with autosomal dominant titinopathies (Herman et al., 2012); This variant is associated with the following publications: (PMID: 22335739)

NM_001267550.2(TTN):c.51427del (p.Asp17143fs)

Genes: TTN (titin; minus strand), TTN-AS1 (TTN antisense RNA 1; plus strand). Cytogenetic location: 2q31.2.
Variant type: Deletion.
Coding change: c.51427del on transcript NM_001267550.2 (MANE Select); coding-DNA position 51427, one base deleted (G; older notation c.51427delG).
Protein change: p.Asp17143fs; shifts the reading frame from aspartic acid 17143.
Molecular consequence: frameshift variant.
Genome position (GRCh38, 1-based): chr2:178,610,099, C deleted on the plus strand (G on the coding strand, the reverse complement: TTN is on the minus strand). VCF-style (leftmost placement, unchanged base first): chr2-178610098-TC-T. GRCh37 (hg19) VCF-style: chr2-179474825-TC-T.
Other names: c.46504del, p.Asp15502fs (NM_001256850.1); c.51427delG, p.Asp17143Ilefs (NM_001267550.1); c.24232del, p.Asp8078fs (NM_003319.4); c.43723del, p.Asp14575fs (NM_133378.4); c.24607del, p.Asp8203fs (NM_133432.3); c.24808del, p.Asp8270fs (NM_133437.4); short protein forms D14575fs, D15502fs, D17143fs, D8078fs, D8203fs, D8270fs.
Identifiers: ClinVar variation 2663601 (VCV002663601.1), dbSNP rs2470424115, ClinGen allele CA2695197005.